The following is an entry in ClinVar:

NM_000256.3(MYBPC3):c.2906-5C>T

Gene: MYBPC3 (myosin binding protein C3; minus strand). Cytogenetic location: 11p11.2.
Variant type: single nucleotide variant.
Coding change: c.2906-5C>T on transcript NM_000256.3 (MANE Select); 5 bases into the intron before coding-DNA position 2906, C replaced by T.
Molecular consequence: intron variant.
Genome position (GRCh38, 1-based): chr11:47,334,015, G>A on the plus strand (C>T on the coding strand, the complement: MYBPC3 is on the minus strand). VCF-style: chr11-47334015-G-A. GRCh37 (hg19) VCF-style: chr11-47355566-G-A.
Identifiers: ClinVar variation 759271 (VCV000759271.10), dbSNP rs1595842091, ClinGen allele CA915948133.

ClinVar aggregate classification (germline): Likely benign. Review status: criteria provided, multiple submitters, no conflicts (2 of 4 stars). 3 submissions from 3 submitters: Likely benign (3). Last evaluated 2023-03-09.

Conditions:
Cardiomyopathy (CMYO). Also called: Cardiomyopathies. Identifiers: Orphanet 167848, MedGen C0878544, MONDO:0004994, HP:0001638. Inheritance: Various modes of inheritance.
Hypertrophic cardiomyopathy. Also called: HYPERTROPHIC MYOCARDIOPATHY. Identifiers: Orphanet 217569, MedGen C0007194, MeSH D002312, MONDO:0005045, HP:0001639.

Allele frequency attached by ClinVar (database versions not stated): gnomAD exomes below 0.00001.
gnomAD v4.1: 5 of 1,572,236 alleles (0.00032%); highest among the groups gnomAD compares: Non-Finnish European, 0.00035%; no homozygotes.

Submissions (3):

All of Us Research Program, National Institutes of Health
Classification: Likely benign for Hypertrophic cardiomyopathy. Last evaluated: 2023-03-09. Review status: criteria provided, single submitter. Criteria: ACMG Guidelines, 2015. Collection method: clinical testing. Allele origin: germline. Inheritance: Autosomal dominant inheritance. Observed: 1 variant allele, 1 heterozygote.
Comment: This study involves interpretation of variants in research participants for the purpose of population health screening. Participant phenotype was not available at the time of variant classification. Additional details can be found in publication PMID: 35346344, PMCID: PMC8962531

Color Diagnostics, LLC DBA Color Health
Classification: Likely benign for Cardiomyopathy. Last evaluated: 2022-06-06. Review status: criteria provided, single submitter. Criteria: ACMG Guidelines, 2015. Collection method: clinical testing. Allele origin: germline.

Labcorp Genetics (formerly Invitae), Labcorp
Classification: Likely benign for Hypertrophic cardiomyopathy. Last evaluated: 2022-02-18. Review status: criteria provided, single submitter. Criteria: Invitae Variant Classification Sherloc (09022015). Collection method: clinical testing. Allele origin: germline.